The following is an entry in ClinVar:

ClinVar aggregate classification (germline): Uncertain significance (1 of 4 stars; one submission).

Submission:

GeneDx
Classification: Uncertain significance. Last evaluated: 2022-10-07. Review status: criteria provided, single submitter. Criteria: GeneDx Variant Classification Process June 2021. Collection method: clinical testing. Allele origin: germline. Affected: yes.
Comment: Not observed at significant frequency in large population cohorts (gnomAD); In silico analysis supports that this missense variant does not alter protein structure/function; Has not been previously published as pathogenic or benign to our knowledge

NM_001378418.1(TCF20):c.3633G>T (p.Arg1211Ser)

Gene: TCF20 (transcription factor 20; minus strand). Cytogenetic location: 22q13.2.
Variant type: single nucleotide variant.
Coding change: c.3633G>T on transcript NM_001378418.1 (MANE Select); coding-DNA position 3633, G replaced by T.
Protein change: p.Arg1211Ser; replaces arginine 1211 with serine.
Molecular consequence: missense variant.
Genome position (GRCh38, 1-based): chr22:42,211,673, C>A on the plus strand (G>T on the coding strand, the complement: TCF20 is on the minus strand). VCF-style: chr22-42211673-C-A. GRCh37 (hg19) VCF-style: chr22-42607679-C-A.
Other names: c.3633G>T, p.Arg1211Ser (NM_005650.4, NM_181492.3); short protein forms R1211S.
Identifiers: ClinVar variation 2497987 (VCV002497987.1), dbSNP rs758126650, ClinGen allele CA411786061.
Genomic context (GRCh38, chr22:42,211,673, plus strand): 5'-TTTGGATGACTGTGTAGCCTCAGCTAGTCCATGTCCATCAGTCTCATGGGGCGGCCCATA[C>A]CTTTTTTGACTGGACATTCCTGGAGGACCGCTGCTTTTGGCTGGAGAAGTTTGCCGAGAA-3'
Protein context (NP_001365347.1, residues 1201-1221): SGPPGMSSQK[Arg1211Ser]YGPPHETDGH